The following is an entry in ClinVar:

NM_012108.4(STAP1):c.17C>T (p.Pro6Leu)

Gene: STAP1 (signal transducing adaptor family member 1; plus strand). Cytogenetic location: 4q13.2.
Variant type: single nucleotide variant.
Coding change: c.17C>T on transcript NM_012108.4 (MANE Select); coding-DNA position 17, C replaced by T.
Protein change: p.Pro6Leu; replaces proline 6 with leucine.
Molecular consequence: missense variant.
Genome position (GRCh38, 1-based): chr4:67,558,826, C>T. VCF-style: chr4-67558826-C-T. GRCh37 (hg19) VCF-style: chr4-68424544-C-T.
Other names: c.17C>T, p.Pro6Leu (NM_001317769.2); short protein forms P6L.
Identifiers: ClinVar variation 3962938 (VCV003962938.1).

ClinVar aggregate classification (germline): Uncertain significance (1 of 4 stars; one submission).

Submission:

Ambry Genetics
Classification: Uncertain significance. Last evaluated: 2025-06-09. Review status: criteria provided, single submitter. Criteria: Ambry Variant Classification Scheme 2023. Collection method: clinical testing. Allele origin: germline.
Comment: The p.P6L variant (also known as c.17C>T), located in coding exon 1 of the STAP1 gene, results from a C to T substitution at nucleotide position 17. The proline at codon 6 is replaced by leucine, an amino acid with similar properties. This amino acid position is conserved. In addition, this alteration is predicted to be tolerated by in silico analysis. Based on the available evidence, the clinical significance of this variant remains unclear.